The following is an entry in ClinVar:

NM_006517.5(SLC16A2):c.1390C>A (p.Pro464Thr)

Gene: SLC16A2 (solute carrier family 16 member 2; plus strand). Cytogenetic location: Xq13.2.
Variant type: single nucleotide variant.
Coding change: c.1390C>A on transcript NM_006517.5 (MANE Select); coding-DNA position 1390, C replaced by A.
Protein change: p.Pro464Thr; replaces proline 464 with threonine.
Molecular consequence: missense variant.
Genome position (GRCh38, 1-based): chrX:74,529,432, C>A. VCF-style: chrX-74529432-C-A. GRCh37 (hg19) VCF-style: chrX-73749267-C-A.
Other names: short protein forms P464T.
Identifiers: ClinVar variation 1805190 (VCV001805190.2), dbSNP rs1363308293, ClinGen allele CA413658637.

ClinVar aggregate classification (germline): Likely pathogenic (1 of 4 stars; one submission).

Conditions:
Allan-Herndon-Dudley syndrome (AHDS). Also called: ALLAN-HERNDON SYNDROME; MENTAL RETARDATION AND MUSCULAR ATROPHY; Passos-Bueno syndrome; T3 RESISTANCE; TRIIODOTHYRONINE RESISTANCE. Identifiers: Orphanet 59, MedGen C0795889, MONDO:0010354, OMIM 300523.

Submission:

Victorian Clinical Genetics Services, Murdoch Childrens Research Institute
Classification: Likely pathogenic for Allan-Herndon-Dudley syndrome. Last evaluated: 2023-07-17. Review status: criteria provided, single submitter. Criteria: ACMG Guidelines, 2015. Collection method: clinical testing. Allele origin: germline. Inheritance: X-linked recessive inheritance. Affected: yes.
Comment: Based on the classification scheme VCGS_Germline_v1.3.4, this variant is classified as Likely pathogenic. Following criteria are met: 0102 - Loss of function is a known mechanism of disease in this gene and is associated with Allan-Herndon-Dudley syndrome (MIM#300523). (I) 0109 - This gene is associated with X-linked recessive disease. Hemizygous males and homozygous females are known to be affected with the full range of symptoms associated with Allan-Herndon-Dudley syndrome while some heterozygous females develop a mild thyroid phenotype but no neurological symptoms (OMIM). (I) 0200 - Variant is predicted to result in a missense amino acid change from proline to threonine. (I) 0253 - This variant is hemizygous. (I) 0301 - Variant is absent from gnomAD (both v2 and v3). (SP) 0502 - Missense variant with conflicting in silico predictions and uninformative conservation. (I) 0603 - Missense variant in a region that is highly intolerant to missense variation (high constraint region in DECIPHER). (SP) 0703 - Another missense variant and inframe deletion comparable to the one identified in this case has moderate previous evidence for pathogenicity. These variants (p.(Pro464del)) and p.(Pro464Ser) have each been seen in one individual with Allan-Herndon-Dudley syndrome (PMID:27081503, 32277047). (SP) 0807 - This variant has no previous evidence of pathogenicity. (I) 0903 - This variant has limited evidence for segregation with disease. (SP) 1005 - Clinically accredited laboratory assay specific to gene product shows abnormal protein function. (I) Legend: (SP) - Supporting pathogenic, (I) - Information, (SB) - Supporting benign

Literature cited by the submitters: PubMed 18187543; PubMed 27081503; PubMed 32277047.